The following is an entry in ClinVar:

NM_001365951.3(KIF1B):c.1590+3A>G

Gene: KIF1B (kinesin family member 1B; plus strand). Cytogenetic location: 1p36.22.
Variant type: single nucleotide variant.
Coding change: c.1590+3A>G on transcript NM_001365951.3 (MANE Select); 3 bases into the intron after coding-DNA position 1590, A replaced by G.
Molecular consequence: intron variant.
Genome position (GRCh38, 1-based): chr1:10,292,125, A>G. VCF-style: chr1-10292125-A-G. GRCh37 (hg19) VCF-style: chr1-10352183-A-G.
Other names: c.1452+3A>G (NM_183416.4, NM_015074.3, NM_001365953.1); c.1590+3A>G (NM_001365952.1).
Identifiers: ClinVar variation 3533889 (VCV003533889.1).

ClinVar aggregate classification (germline): Uncertain significance (1 of 4 stars; one submission).

Submission:

Ambry Genetics
Classification: Uncertain significance. Last evaluated: 2024-11-21. Review status: criteria provided, single submitter. Criteria: Ambry Variant Classification Scheme 2023. Collection method: clinical testing. Allele origin: germline.
Comment: The c.1452+3A>G intronic variant results from an A to G substitution 3 nucleotides after coding exon 14 in the KIF1B gene. This nucleotide position is well conserved in available vertebrate species. In silico splice site analysis predicts that this alteration will not have any significant effect on splicing. The evidence for this gene-disease relationship is limited; therefore, the clinical significance of this alteration is unclear.